The following is an entry in ClinVar:

ClinVar aggregate classification (germline): not provided (0 of 4 stars; one submission).

Conditions:
Large for gestational age. Identifiers: MedGen C1848395, HP:0001520.

Submission:

Institute of Molecular and Cell Biology, University of Tartu
No classification provided. Condition: Large for gestational age. Review status: no classification provided. Collection method: case-control. Allele origin: unknown. Affected: yes. Study: Kasak2014.
Comment: The study aimed to determine the contribution of copy number variants in the genetic etiology of normal and complicated pregnancies. The samples represented (i) maternal blood DNA drawn from healthy pregnant women during 1st or 2nd trimester and (ii) maternal and paternal blood DNA drawn at term pregnancy cases representing normal and complicated gestations (severe preeclampsia, PE; gestational diabetes, GD; small-for-gestational age newborn, SGA; large-for-gestational age newborn, LGA). We performed CNV calling based on genome-wide genotyping dataset (Illumina HumanOmniExpress-24-v1 BeadChip) by applying three algorithms, QuantiSNP, GADA (Genome Alteration Detection Algorithm) and CNstream in parallel. The acquired CNV calls were merged with HD-CNV (Hotspot Detector for Copy Number Variants) program and only the CNVs predicted by at least two programs, were considered in subsequent analysis.

Literature cited by the submitters: PubMed 25666259.

NC_000012.12:g.7848316_7961833dup

Genes: SLC2A14 (solute carrier family 2 member 14; minus strand), SLC2A3 (solute carrier family 2 member 3; minus strand), LOC116268429 (CRISPRi-validated cis-regulatory element chr12.441; plus strand), LOC116268430 (CRISPRi-validated cis-regulatory element chr12.444; plus strand), LOC116268431 (CRISPRi-validated cis-regulatory element chr12.445; plus strand) and 5 more. Cytogenetic location: 12p13.31.
Variant type: Duplication.
Identifiers: ClinVar variation 157239 (VCV000157239.3).